The following is an entry in ClinVar:

NM_015425.6(POLR1A):c.3125G>A (p.Ser1042Asn)

Gene: POLR1A (RNA polymerase I subunit A; minus strand). Cytogenetic location: 2p11.2.
Variant type: single nucleotide variant.
Coding change: c.3125G>A on transcript NM_015425.6 (MANE Select); coding-DNA position 3125, G replaced by A.
Protein change: p.Ser1042Asn; replaces serine 1042 with asparagine.
Molecular consequence: missense variant.
Genome position (GRCh38, 1-based): chr2:86,044,149, C>T on the plus strand (G>A on the coding strand, the complement: POLR1A is on the minus strand). VCF-style: chr2-86044149-C-T. GRCh37 (hg19) VCF-style: chr2-86271272-C-T.
Other names: short protein forms S1042N.
Identifiers: ClinVar variation 2093905 (VCV002093905.4), dbSNP rs2466345462, ClinGen allele CA347538318.

ClinVar aggregate classification (germline): Uncertain significance (1 of 4 stars; one submission).

Allele frequency attached by ClinVar (database versions not stated): gnomAD exomes below 0.00001.
gnomAD v4.1: 1 of 1,614,142 alleles (0.000062%); highest among the groups gnomAD compares: Non-Finnish European, 0.000085%; no homozygotes.

Submission:

Labcorp Genetics (formerly Invitae), Labcorp
Classification: Uncertain significance. Last evaluated: 2024-10-24. Review status: criteria provided, single submitter. Criteria: Invitae Variant Classification Sherloc (09022015). Collection method: clinical testing. Allele origin: germline.
Comment: This sequence change replaces serine, which is neutral and polar, with asparagine, which is neutral and polar, at codon 1042 of the POLR1A protein (p.Ser1042Asn). This variant is not present in population databases (gnomAD no frequency). This variant has not been reported in the literature in individuals affected with POLR1A-related conditions. ClinVar contains an entry for this variant (Variation ID: 2093905). Invitae Evidence Modeling of protein sequence and biophysical properties (such as structural, functional, and spatial information, amino acid conservation, physicochemical variation, residue mobility, and thermodynamic stability) indicates that this missense variant is not expected to disrupt POLR1A protein function with a negative predictive value of 80%. In summary, the available evidence is currently insufficient to determine the role of this variant in disease. Therefore, it has been classified as a Variant of Uncertain Significance.